The following is an entry in ClinVar:

ClinVar aggregate classification (germline): Uncertain significance. Review status: criteria provided, multiple submitters, no conflicts (2 of 4 stars). 4 submissions from 4 submitters: Uncertain significance (4). Last evaluated 2026-09-23.

Conditions:
Retinitis pigmentosa 71 (RP71). Identifiers: Orphanet 791, MedGen C4225342, MONDO:0014618, OMIM 616394.
Short-rib thoracic dysplasia 10 with or without polydactyly (SRTD10). Identifiers: Orphanet 474, MedGen C3810175, MONDO:0014284, OMIM 615630.
IFT172-related disorder. Also called: IFT172-related condition; IFT172-related disorders.

Allele frequency attached by ClinVar (database versions not stated): gnomAD exomes 0.00009 and 0.00012; TOPMed 0.00009; ESP Exome Variant Server 0.00015; ExAC 0.00009; gnomAD 0.00009.
gnomAD v4.1: 177 of 1,613,766 alleles (0.011%); highest among the groups gnomAD compares: Non-Finnish European, 0.013%; no homozygotes.

Submissions (4):

PreventionGenetics, part of Exact Sciences
Classification: Uncertain significance for IFT172-related condition. Last evaluated: 2026-09-23. Review status: criteria provided, single submitter. Criteria: ACMG Guidelines, 2015. Collection method: clinical testing. Allele origin: germline.
Comment: The IFT172 c.3673C>T variant is predicted to result in the amino acid substitution p.Arg1225Trp. To our knowledge, this variant has not been reported in the literature. This variant is reported in 0.024% of alleles in individuals of African descent in gnomAD. Of note, a different variant impacting the same amino acid (p.Arg1225Gln) was reported along with a second IFT172 variant in an individual with retinitis pigmentosa (Supplemental Table 4 in Panneman et al. 2023. PubMed ID: 36819107). At this time, the clinical significance of the c.3673C>T (p.Arg1225Trp) variant is uncertain due to the absence of conclusive functional and genetic evidence.

Blueprint Genetics
Classification: Uncertain significance. Last evaluated: 2024-10-03. Review status: criteria provided, single submitter. Criteria: ACMG Guidelines, 2015. Collection method: clinical testing. Allele origin: germline.

Labcorp Genetics (formerly Invitae), Labcorp
Classification: Uncertain significance for Retinitis pigmentosa 71; Short-rib thoracic dysplasia 10 with or without polydactyly. Last evaluated: 2023-11-06. Review status: criteria provided, single submitter. Criteria: Invitae Variant Classification Sherloc (09022015). Collection method: clinical testing. Allele origin: germline.
Comment: This sequence change replaces arginine, which is basic and polar, with tryptophan, which is neutral and slightly polar, at codon 1225 of the IFT172 protein (p.Arg1225Trp). This variant is present in population databases (rs148305851, gnomAD 0.02%). This variant has not been reported in the literature in individuals affected with IFT172-related conditions. ClinVar contains an entry for this variant (Variation ID: 1002414). Advanced modeling of protein sequence and biophysical properties (such as structural, functional, and spatial information, amino acid conservation, physicochemical variation, residue mobility, and thermodynamic stability) performed at Invitae indicates that this missense variant is expected to disrupt IFT172 protein function with a positive predictive value of 80%. In summary, the available evidence is currently insufficient to determine the role of this variant in disease. Therefore, it has been classified as a Variant of Uncertain Significance.

Mayo Clinic Laboratories, Mayo Clinic
Classification: Uncertain significance. Last evaluated: 2023-08-14. Review status: criteria provided, single submitter. Criteria: ACMG Guidelines, 2015. Collection method: clinical testing. Allele origin: germline. Observed: 1 variant allele.

NM_015662.3(IFT172):c.3673C>T (p.Arg1225Trp)

Genes: IFT172 (intraflagellar transport 172; minus strand), LOC126806173 (BRD4-independent group 4 enhancer GRCh37_chr2:27676057-27677256; plus strand). Cytogenetic location: 2p23.3.
Variant type: single nucleotide variant.
Coding change: c.3673C>T on transcript NM_015662.3 (MANE Select); coding-DNA position 3673, C replaced by T.
Protein change: p.Arg1225Trp; replaces arginine 1225 with tryptophan.
Molecular consequence: missense variant.
Genome position (GRCh38, 1-based): chr2:27,454,020, G>A on the plus strand (C>T on the coding strand, the complement: IFT172 is on the minus strand). VCF-style: chr2-27454020-G-A. GRCh37 (hg19) VCF-style: chr2-27676887-G-A.
Other names: p.Arg1225Trp; c.3673C>T (NM_015662.2); short protein forms R1225W.
Identifiers: ClinVar variation 1002414 (VCV001002414.8), dbSNP rs148305851, ClinGen allele CA1579907.